The following is an entry in ClinVar:

NM_001349253.2(SCN11A):c.572T>G (p.Leu191Arg)

Gene: SCN11A (sodium voltage-gated channel alpha subunit 11; minus strand). Cytogenetic location: 3p22.2.
Variant type: single nucleotide variant.
Coding change: c.572T>G on transcript NM_001349253.2 (MANE Select); coding-DNA position 572, T replaced by G.
Protein change: p.Leu191Arg; replaces leucine 191 with arginine.
Molecular consequence: missense variant.
Genome position (GRCh38, 1-based): chr3:38,926,848, A>C on the plus strand (T>G on the coding strand, the complement: SCN11A is on the minus strand). VCF-style: chr3-38926848-A-C. GRCh37 (hg19) VCF-style: chr3-38968339-A-C.
Other names: c.572T>G, p.Leu191Arg (NM_014139.3); short protein forms L191R.
Identifiers: ClinVar variation 4887416 (VCV004887416.1).

ClinVar aggregate classification (germline): Uncertain significance (1 of 4 stars; one submission).

Submission:

Women's Health and Genetics/Laboratory Corporation of America, LabCorp
Classification: Uncertain significance. Last evaluated: 2026-06-09. Review status: criteria provided, single submitter. Criteria: LabCorp Variant Classification Summary - May 2015. Collection method: clinical testing. Allele origin: germline.
Comment: Variant summary: SCN11A c.572T>G (p.Leu191Arg) results in a non-conservative amino acid change in the encoded protein sequence. Algorithms developed to predict the effect of missense changes on protein structure and function all suggest that this variant is likely to be disruptive. The variant was absent in 251188 control chromosomes. The available data on variant occurrences in the general population are insufficient to allow any conclusion about variant significance. To our knowledge, no occurrence of c.572T>G in individuals affected with SCN11A-related conditions and no experimental evidence demonstrating its impact on protein function have been reported. No submitters have cited clinical-significance assessments for this variant to ClinVar. Based on the evidence outlined above, the variant was classified as uncertain significance.